The following is an entry in ClinVar:

ClinVar aggregate classification (germline): Likely benign (1 of 4 stars; one submission).

gnomAD v4.1: 19 of 1,614,136 alleles (0.0012%); highest among the groups gnomAD compares: Non-Finnish European, 0.0016%; no homozygotes.

Submission:

CeGaT Center for Human Genetics Tuebingen
Classification: Likely benign. Last evaluated: 2025-12-01. Review status: criteria provided, single submitter. Criteria: CeGaT Center For Human Genetics Tuebingen Variant Classification Criteria Version 2. Collection method: clinical testing. Allele origin: germline. Affected: yes. Observed: 1 variant allele.
Comment: ANKRD11: BP4, BP7

NM_013275.6(ANKRD11):c.2598G>A (p.Arg866=)

Gene: ANKRD11 (ankyrin repeat domain 11; minus strand). Cytogenetic location: 16q24.3.
Variant type: single nucleotide variant.
Coding change: c.2598G>A on transcript NM_013275.6 (MANE Select); coding-DNA position 2598, G replaced by A.
Protein change: p.Arg866=; no amino-acid change (arginine 866 retained).
Molecular consequence: synonymous variant.
Genome position (GRCh38, 1-based): chr16:89,283,944, C>T on the plus strand (G>A on the coding strand, the complement: ANKRD11 is on the minus strand). VCF-style: chr16-89283944-C-T. GRCh37 (hg19) VCF-style: chr16-89350352-C-T.
Other names: c.2598G>A, p.Arg866= (NM_001256182.2, NM_001256183.2).
Identifiers: ClinVar variation 4681848 (VCV004681848.5).
Genomic context (GRCh38, chr16:89,283,944, plus strand): 5'-CTTGCTGTCCTCCTTCACCGTCTCCAAGATGAGCTTGGCCACAGAGTCGCTCTTCATGTC[C>T]CTGTAGTCTGTCACTGGCGAGTCCCAGCTGTCCTCCCCTTTGAAATCAAAGGATGAATCG-3'
Protein context (NP_037407.4, residues 856-876): DSWDSPVTDY[Arg866=]DMKSDSVAKL